The following is an entry in ClinVar:

NM_000465.4(BARD1):c.2259C>T (p.Gly753=)

Gene: BARD1 (BRCA1 associated RING domain 1; minus strand). Cytogenetic location: 2q35.
Variant type: single nucleotide variant.
Coding change: c.2259C>T on transcript NM_000465.4 (MANE Select); coding-DNA position 2259, C replaced by T.
Protein change: p.Gly753=; no amino-acid change (glycine 753 retained).
Molecular consequence: synonymous variant. On other transcripts: non-coding transcript variant (3).
Genome position (GRCh38, 1-based): chr2:214,728,751, G>A on the plus strand (C>T on the coding strand, the complement: BARD1 is on the minus strand). VCF-style: chr2-214728751-G-A. GRCh37 (hg19) VCF-style: chr2-215593475-G-A.
Other names: c.2202C>T, p.Gly734= (NM_001282543.2); c.906C>T, p.Gly302= (NM_001282545.2); c.849C>T, p.Gly283= (NM_001282548.2); c.720C>T, p.Gly240= (NM_001282549.2).
Identifiers: ClinVar variation 381945 (VCV000381945.16), dbSNP rs753441393, ClinGen allele CA16604096.

ClinVar aggregate classification (germline): Benign/Likely benign. Review status: criteria provided, multiple submitters, no conflicts (2 of 4 stars). 5 submissions from 5 submitters: Benign (1); Likely benign (4). Last evaluated 2024-07-30.

Conditions:
Hereditary cancer-predisposing syndrome. Also called: Tumor predisposition; Hereditary neoplastic syndrome; Neoplastic Syndromes, Hereditary; Hereditary Cancer Syndrome. Identifiers: Orphanet 140162, MedGen C0027672, MeSH D009386, MONDO:0015356.
Familial cancer of breast. Also called: hereditary breast carcinoma; Hereditary breast cancer; BREAST CANCER, FAMILIAL. Identifiers: Orphanet 227535, MedGen C0346153, MONDO:0016419, OMIM 114480. Disease mechanism: loss of function.

gnomAD v4.1: 2 of 1,614,162 alleles (0.00012%); highest among the groups gnomAD compares: South Asian, 0.0022%; no homozygotes.

Submissions (5):

Myriad Genetics, Inc.
Classification: Benign for Familial cancer of breast. Last evaluated: 2024-07-30. Review status: criteria provided, single submitter. Criteria: Myriad Autosomal Dominant, Autosomal Recessive and X-Linked Classification Criteria (2023). Collection method: clinical testing. Allele origin: unknown.
Comment: This variant is considered benign. This variant is a silent/synonymous amino acid change and it is not expected to impact splicing.

Labcorp Genetics (formerly Invitae), Labcorp
Classification: Likely benign for Familial cancer of breast. Last evaluated: 2024-02-24. Review status: criteria provided, single submitter. Criteria: Invitae Variant Classification Sherloc (09022015). Collection method: clinical testing. Allele origin: germline.

Ambry Genetics
Classification: Likely benign for Hereditary cancer-predisposing syndrome. Last evaluated: 2021-09-02. Review status: criteria provided, single submitter. Criteria: Ambry Variant Classification Scheme 2023. Collection method: clinical testing. Allele origin: germline.

Color Diagnostics, LLC DBA Color Health
Classification: Likely benign for Hereditary cancer-predisposing syndrome. Last evaluated: 2019-05-06. Review status: criteria provided, single submitter. Criteria: ACMG Guidelines, 2015. Collection method: clinical testing. Allele origin: germline.

GeneDx
Classification: Likely benign. Last evaluated: 2015-11-30. Review status: criteria provided, single submitter. Criteria: GeneDx Variant Classification (06012015). Collection method: clinical testing. Allele origin: germline. Affected: yes.
Comment: This variant is considered likely benign or benign based on one or more of the following criteria: it is a conservative change, it occurs at a poorly conserved position in the protein, it is predicted to be benign by multiple in silico algorithms, and/or has population frequency not consistent with disease.